The following is an entry in ClinVar:

NM_000051.4(ATM):c.662+1G>A

Gene: ATM (ATM serine/threonine kinase; plus strand). Cytogenetic location: 11q22.3.
Variant type: single nucleotide variant.
Coding change: c.662+1G>A on transcript NM_000051.4 (MANE Select); the canonical splice donor site of the intron after coding-DNA position 662, G replaced by A.
Molecular consequence: splice donor variant.
Genome position (GRCh38, 1-based): chr11:108,244,119, G>A. VCF-style: chr11-108244119-G-A. GRCh37 (hg19) VCF-style: chr11-108114846-G-A.
Other names: c.662+1G>A (NM_001351834.2).
Identifiers: ClinVar variation 407705 (VCV000407705.15), dbSNP rs1060501690, ClinGen allele CA16613056.

ClinVar aggregate classification (germline): Likely pathogenic. Review status: criteria provided, multiple submitters, no conflicts (2 of 4 stars). 3 submissions from 3 submitters: Likely pathogenic (3). Last evaluated 2026-04-23.

Conditions:
Hereditary cancer-predisposing syndrome. Also called: Hereditary Cancer Syndrome; Tumor predisposition; Hereditary neoplastic syndrome; Neoplastic Syndromes, Hereditary. Identifiers: Orphanet 140162, MedGen C0027672, MeSH D009386, MONDO:0015356.
Ataxia-telangiectasia syndrome (AT). Also called: Ataxia telangiectasia (A-T); Cerebello-oculocutaneous telangiectasia; Immunodeficiency with ataxia telangiectasia; LOUIS-BAR SYNDROME; ATAXIA-TELANGIECTASIA, COMPLEMENTATION GROUP A; ATAXIA-TELANGIECTASIA, FRESNO VARIANT. Identifiers: Orphanet 100, MedGen C0004135, MONDO:0008840, OMIM 208900.
Familial cancer of breast. Also called: Hereditary breast cancer; BREAST CANCER, FAMILIAL; hereditary breast carcinoma. Identifiers: Orphanet 227535, MedGen C0346153, MONDO:0016419, OMIM 114480. Disease mechanism: loss of function.

Submissions (3):

Ambry Genetics
Classification: Likely pathogenic for Hereditary cancer-predisposing syndrome. Last evaluated: 2026-04-23. Review status: criteria provided, single submitter. Criteria: Ambry Variant Classification Scheme 2023. Collection method: clinical testing. Allele origin: germline.
Comment: The c.662+1G>A intronic variant results from a G to A substitution one nucleotide after coding exon 5 of the ATM gene. This variant has been identified in conjunction with other ATM variant(s) in individual(s) with features consistent with ataxia telangiectasia (Kuzmenko N et al. J Clin Immunol, 2024 Jul;44:165). This variant is considered to be rare based on population cohorts in the Genome Aggregation Database (gnomAD). This nucleotide position is highly conserved in available vertebrate species. In silico splice site analysis predicts that this alteration will weaken the native splice donor site. RNA studies have demonstrated that this alteration results in abnormal splicing in the set of samples tested (Ambry internal data). Alterations that disrupt the canonical splice site are expected to cause aberrant splicing, resulting in an abnormal protein or a transcript that is subject to nonsense-mediated mRNA decay. As such, this alteration is classified as likely pathogenic.

Labcorp Genetics (formerly Invitae), Labcorp
Classification: Likely pathogenic for Ataxia-telangiectasia syndrome. Last evaluated: 2026-01-26. Review status: criteria provided, single submitter. Criteria: Invitae Variant Classification Sherloc (09022015). Collection method: clinical testing. Allele origin: germline.
Comment: This sequence change affects a donor splice site in intron 6 of the ATM gene. It is expected to disrupt RNA splicing. Variants that disrupt the donor or acceptor splice site typically lead to a loss of protein function (PMID: 16199547), and loss-of-function variants in ATM are known to be pathogenic (PMID: 23807571, 25614872). This variant is not present in population databases (gnomAD no frequency). Disruption of this splice site has been observed in individual(s) with a known or suspected inborn error of immunity (PMID: 39052144). ClinVar contains an entry for this variant (Variation ID: 407705). Algorithms developed to predict the effect of sequence changes on RNA splicing suggest that this variant may disrupt the consensus splice site. In summary, the currently available evidence indicates that the variant is pathogenic, but additional data are needed to prove that conclusively. Therefore, this variant has been classified as Likely Pathogenic.

Myriad Genetics, Inc.
Classification: Likely pathogenic for Familial cancer of breast. Last evaluated: 2024-01-09. Review status: criteria provided, single submitter. Criteria: Myriad Autosomal Dominant, Autosomal Recessive and X-Linked Classification Criteria (2023). Collection method: clinical testing. Allele origin: unknown.
Comment: This variant is considered likely pathogenic. This variant occurs within a consensus splice junction and is predicted to result in abnormal mRNA splicing of either an out-of-frame exon or an in-frame exon necessary for protein stability and/or normal function.

Literature cited by the submitters: PubMed 39052144 (cited by Ambry Genetics and Labcorp Genetics (formerly Invitae), Labcorp); PubMed 16199547 (cited by Labcorp Genetics (formerly Invitae), Labcorp); PubMed 23807571 (cited by Labcorp Genetics (formerly Invitae), Labcorp); PubMed 25614872 (cited by Labcorp Genetics (formerly Invitae), Labcorp).